The following is an entry in ClinVar:

ClinVar aggregate classification (germline): Uncertain significance (1 of 4 stars; one submission).

gnomAD v4.1: 59 of 1,613,916 alleles (0.0037%); highest among the groups gnomAD compares: East Asian, 0.045%; 1 homozygote.

Submission:

Labcorp Genetics (formerly Invitae), Labcorp
Classification: Uncertain significance. Last evaluated: 2024-06-19. Review status: criteria provided, single submitter. Criteria: Invitae Variant Classification Sherloc (09022015). Collection method: clinical testing. Allele origin: germline.
Comment: This sequence change replaces arginine, which is basic and polar, with tryptophan, which is neutral and slightly polar, at codon 255 of the GSN protein (p.Arg255Trp). This variant is present in population databases (rs763444610, gnomAD 0.06%). This variant has not been reported in the literature in individuals affected with GSN-related conditions. Advanced modeling of protein sequence and biophysical properties (such as structural, functional, and spatial information, amino acid conservation, physicochemical variation, residue mobility, and thermodynamic stability) performed at Invitae indicates that this missense variant is expected to disrupt GSN protein function with a positive predictive value of 80%. In summary, the available evidence is currently insufficient to determine the role of this variant in disease. Therefore, it has been classified as a Variant of Uncertain Significance.

NM_198252.3(GSN):c.610C>T (p.Arg204Trp)

Gene: GSN (gelsolin; plus strand). Cytogenetic location: 9q33.2.
Variant type: single nucleotide variant.
Coding change: c.610C>T on transcript NM_198252.3 (MANE Select); coding-DNA position 610, C replaced by T.
Protein change: p.Arg204Trp; replaces arginine 204 with tryptophan.
Molecular consequence: missense variant. On other transcripts: 5 prime UTR variant (1).
Genome position (GRCh38, 1-based): chr9:121,312,435, C>T. VCF-style: chr9-121312435-C-T. GRCh37 (hg19) VCF-style: chr9-124074713-C-T.
Other names: c.610C>T, p.Arg204Trp (NM_001127662.2, NM_001353053.1, NM_001353054.1 and 10 more transcripts); c.718C>T, p.Arg240Trp (NM_001127663.2); c.634C>T, p.Arg212Trp (NM_001258030.2); c.643C>T, p.Arg215Trp (NM_001127666.2, NM_001127667.2, NM_001353063.2 and 13 more transcripts); c.661C>T, p.Arg221Trp (NM_001258029.2); c.763C>T, p.Arg255Trp (NM_000177.5); c.-45C>T (NM_001353078.2); c.682C>T, p.Arg228Trp (NM_001353076.2); short protein forms R204W, R212W, R215W, R221W, R228W, R240W, R255W.
Identifiers: ClinVar variation 3628598 (VCV003628598.2).